The following is an entry in ClinVar:

NM_182925.5(FLT4):c.1344C>T (p.Tyr448=)

Gene: FLT4 (fms related receptor tyrosine kinase 4; minus strand). Cytogenetic location: 5q35.3.
Variant type: single nucleotide variant.
Coding change: c.1344C>T on transcript NM_182925.5 (MANE Select); coding-DNA position 1344, C replaced by T.
Protein change: p.Tyr448=; no amino-acid change (tyrosine 448 retained).
Molecular consequence: synonymous variant.
Genome position (GRCh38, 1-based): chr5:180,625,946, G>A on the plus strand (C>T on the coding strand, the complement: FLT4 is on the minus strand). VCF-style: chr5-180625946-G-A. GRCh37 (hg19) VCF-style: chr5-180052946-G-A.
Other names: c.1344C>T, p.Tyr448= (NM_001354989.2, NM_002020.5).
Identifiers: ClinVar variation 263024 (VCV000263024.8), dbSNP rs3736062, ClinGen allele CA3606766.
Genomic context (GRCh38, chr5:180,625,946, plus strand): 5'-CATCTTGCAGGGTGTCCAGGGCCGCCAGTGCCACTGGATGCTGAGAGGCAGGGGCACCCC[G>A]TAGGCCGTGCAGGTGAGGGCCTGGCGGCTGTGACGCGAGTAGATGCTGGGGGAGGAGGCC-3'
Protein context (NP_891555.2, residues 438-458): HSRQALTCTA[Tyr448=]GVPLPLSIQW

ClinVar aggregate classification (germline): Benign. Review status: criteria provided, multiple submitters, no conflicts (2 of 4 stars). 3 submissions from 3 submitters: Benign (3). Last evaluated 2021-06-09.

Allele frequency attached by ClinVar (database versions not stated): gnomAD 0.02437 and 0.02573; TOPMed 0.02594; ESP Exome Variant Server 0.02632; ExAC 0.03026; gnomAD exomes 0.03122 and 0.03177; 1000 Genomes Project 30x 0.03279; 1000 Genomes Project 0.03415.

Submissions (3):

GeneDx
Classification: Benign. Last evaluated: 2021-06-09. Review status: criteria provided, single submitter. Criteria: GeneDx Variant Classification Process June 2021. Collection method: clinical testing. Allele origin: germline. Affected: yes.

Laboratory for Molecular Medicine, Mass General Brigham Personalized Medicine
Classification: Benign. Last evaluated: 2016-03-29. Review status: criteria provided, single submitter. Criteria: LMM Criteria. Collection method: clinical testing. Allele origin: germline.
Comment: Variant identified in a genome or exome case(s) and assessed due to predicted null impact of the variant or pathogenic assertions in the literature or databases. Disclaimer: This variant has not undergone full assessment. The following are preliminary notes: 3% of total chromosomes in ExAC, 11% of E. Asian chromosomes

PreventionGenetics, part of Exact Sciences
Classification: Benign. Review status: criteria provided, single submitter. Criteria: ACMG Guidelines, 2015. Collection method: clinical testing. Allele origin: germline.